The following is an entry in ClinVar:

NM_172364.5(CACNA2D4):c.1789G>A (p.Glu597Lys)

Gene: CACNA2D4 (calcium voltage-gated channel auxiliary subunit alpha2delta 4; minus strand). Cytogenetic location: 12p13.33.
Variant type: single nucleotide variant.
Coding change: c.1789G>A on transcript NM_172364.5 (MANE Select); coding-DNA position 1789, G replaced by A.
Protein change: p.Glu597Lys; replaces glutamic acid 597 with lysine.
Molecular consequence: missense variant.
Genome position (GRCh38, 1-based): chr12:1,875,268, C>T on the plus strand (G>A on the coding strand, the complement: CACNA2D4 is on the minus strand). VCF-style: chr12-1875268-C-T. GRCh37 (hg19) VCF-style: chr12-1984434-C-T.
Other names: short protein forms E597K.
Identifiers: ClinVar variation 2079637 (VCV002079637.4), dbSNP rs761571228, ClinGen allele CA6386991.

ClinVar aggregate classification (germline): Uncertain significance (1 of 4 stars; one submission).

Allele frequency attached by ClinVar (database versions not stated): gnomAD exomes below 0.00001; ExAC 0.00001.
gnomAD v4.1: 1 of 1,585,618 alleles (0.000063%); highest among the groups gnomAD compares: Non-Finnish European, 0.000086%; no homozygotes.

Submission:

Labcorp Genetics (formerly Invitae), Labcorp
Classification: Uncertain significance. Last evaluated: 2023-10-16. Review status: criteria provided, single submitter. Criteria: Invitae Variant Classification Sherloc (09022015). Collection method: clinical testing. Allele origin: germline.
Comment: This sequence change replaces glutamic acid, which is acidic and polar, with lysine, which is basic and polar, at codon 597 of the CACNA2D4 protein (p.Glu597Lys). This variant is present in population databases (rs761571228, gnomAD 0.002%). This variant has not been reported in the literature in individuals affected with CACNA2D4-related conditions. ClinVar contains an entry for this variant (Variation ID: 2079637). An algorithm developed to predict the effect of missense changes on protein structure and function (PolyPhen-2) suggests that this variant is likely to be disruptive. In summary, the available evidence is currently insufficient to determine the role of this variant in disease. Therefore, it has been classified as a Variant of Uncertain Significance.